The following is an entry in ClinVar:

ClinVar aggregate classification (germline): Conflicting classifications of pathogenicity. Review status: criteria provided, conflicting classifications (1 of 4 stars). 2 submissions from 2 submitters: Uncertain significance (1); Benign (1). Last evaluated 2025-09-09.

Conditions:
Hereditary cancer-predisposing syndrome. Also called: Tumor predisposition; Hereditary Cancer Syndrome; Neoplastic Syndromes, Hereditary; Hereditary neoplastic syndrome. Identifiers: Orphanet 140162, MedGen C0027672, MeSH D009386, MONDO:0015356.
Familial adenomatous polyposis 2. Also called: COLORECTAL ADENOMATOUS POLYPOSIS, AUTOSOMAL RECESSIVE; ADENOMAS, MULTIPLE COLORECTAL, AUTOSOMAL RECESSIVE; MYH-associated polyposis; FAP type 2; MUTYH-associated polyposis; MUTYH-related attenuated familial adenomatous polyposis. Identifiers: Orphanet 220460, Orphanet 247798, MedGen C3272841, MONDO:0012041, OMIM 608456.

Submissions (2):

Ambry Genetics
Classification: Benign for Hereditary cancer-predisposing syndrome. Last evaluated: 2025-09-09. Review status: criteria provided, single submitter. Criteria: Ambry Variant Classification Scheme 2023. Collection method: clinical testing. Allele origin: germline.

Labcorp Genetics (formerly Invitae), Labcorp
Classification: Uncertain significance for Familial adenomatous polyposis 2. Last evaluated: 2019-09-01. Review status: criteria provided, single submitter. Criteria: Invitae Variant Classification Sherloc (09022015). Collection method: clinical testing. Allele origin: germline.
Comment: In summary, the available evidence is currently insufficient to determine the role of this variant in disease. Therefore, it has been classified as a Variant of Uncertain Significance. Algorithms developed to predict the effect of missense changes on protein structure and function (SIFT, PolyPhen-2, Align-GVGD) all suggest that this variant is likely to be tolerated, but these predictions have not been confirmed by published functional studies and their clinical significance is uncertain. This variant has not been reported in the literature in individuals with MUTYH-related conditions. This variant is not present in population databases (ExAC no frequency). This sequence change replaces alanine with serine at codon 79 of the MUTYH protein (p.Ala79Ser). The alanine residue is moderately conserved and there is a moderate physicochemical difference between alanine and serine.

NM_001048174.2(MUTYH):c.151G>T (p.Ala51Ser)

Gene: MUTYH (mutY DNA glycosylase; minus strand). Cytogenetic location: 1p34.1.
Variant type: single nucleotide variant.
Coding change: c.151G>T on transcript NM_001048174.2 (MANE Select); coding-DNA position 151, G replaced by T.
Protein change: p.Ala51Ser; replaces alanine 51 with serine.
Molecular consequence: missense variant. On other transcripts: 5 prime UTR variant (1), non-coding transcript variant (2), intron variant (3).
Genome position (GRCh38, 1-based): chr1:45,333,526, C>A on the plus strand (G>T on the coding strand, the complement: MUTYH is on the minus strand). VCF-style: chr1-45333526-C-A. GRCh37 (hg19) VCF-style: chr1-45799198-C-A.
Other names: c.151G>T, p.Ala51Ser (NM_001048171.2, NM_001048173.2, NM_001293195.2); c.154G>T, p.Ala52Ser (NM_001048172.2); c.235G>T, p.Ala79Ser (NM_001128425.2); c.196G>T, p.Ala66Ser (NM_001293190.2); c.184G>T, p.Ala62Ser (NM_001293191.2); c.-121G>T (NM_001350650.2); c.226G>T, p.Ala76Ser (NM_012222.3); c.-92-29G>T (NM_001350651.2); and 1 more; short protein forms A52S, A66S, A79S, A51S, A62S, A76S.
Identifiers: ClinVar variation 961092 (VCV000961092.11), dbSNP rs1645377017, ClinGen allele CA340136574.
Genomic context (GRCh38, chr1:45,333,526, plus strand): 5'-TCCCTCGGAAGGCTGTGACTTCAGCTACGTCTCTGAATAGATGGTATGAGGAGACAGAGG[C>A]CTGCAATACCACCTCTTCCGGCTGCCTGGCCAGGCCTGCTGGGGCCCCAGGACACTCAGC-3'
Protein context (NP_001041639.1, residues 41-61): ARQPEEVVLQ[Ala51Ser]SVSSYHLFRD